The following is an entry in ClinVar:

NM_000312.4(PROC):c.1299C>T (p.Gly433=)

Gene: PROC (protein C, inactivator of coagulation factors Va and VIIIa; plus strand). Cytogenetic location: 2q14.3.
Variant type: single nucleotide variant.
Coding change: c.1299C>T on transcript NM_000312.4 (MANE Select); coding-DNA position 1299, C replaced by T.
Protein change: p.Gly433=; no amino-acid change (glycine 433 retained).
Molecular consequence: synonymous variant.
Genome position (GRCh38, 1-based): chr2:127,428,859, C>T. VCF-style: chr2-127428859-C-T. GRCh37 (hg19) VCF-style: chr2-128186435-C-T.
Other names: p.Gly433=; c.1482C>T, p.Gly494= (NM_001375602.1); c.1464C>T, p.Gly488= (NM_001375603.1); c.1362C>T, p.Gly454= (NM_001375604.1); c.1401C>T, p.Gly467= (NM_001375605.1); c.1467C>T, p.Gly489= (NM_001375606.1); c.1485C>T, p.Gly495= (NM_001375607.1); c.1242C>T, p.Gly414= (NM_001375608.1); and 3 more.
Identifiers: ClinVar variation 219771 (VCV000219771.28), dbSNP rs151319700, ClinGen allele CA349279.
Genomic context (GRCh38, chr2:127,428,859, plus strand): 5'-CTGGTTCCTGGTGGGCCTGGTGAGCTGGGGTGAGGGCTGTGGGCTCCTTCACAACTACGG[C>T]GTTTACACCAAAGTCAGCCGCTACCTCGACTGGATCCATGGGCACATCAGAGACAAGGAA-3'
Protein context (NP_000303.1, residues 423-443): GEGCGLLHNY[Gly433=]VYTKVSRYLD

ClinVar aggregate classification (germline): Conflicting classifications of pathogenicity. Review status: criteria provided, conflicting classifications (1 of 4 stars). 3 submissions from 3 submitters: Uncertain significance (1); Likely benign (2). Last evaluated 2026-01-17.

Conditions:
Thrombophilia due to protein C deficiency, autosomal dominant. Also called: PROC DEFICIENCY, AUTOSOMAL DOMINANT; PROTEIN C DEFICIENCY, AUTOSOMAL DOMINANT. Identifiers: Orphanet 745, MedGen C2674321, MONDO:0008316, OMIM 176860. Disease mechanism: loss of function.

Allele frequency attached by ClinVar (database versions not stated): 1000 Genomes Project 30x 0.00016; 1000 Genomes Project 0.00020; TOPMed 0.00024; ESP Exome Variant Server 0.00031; gnomAD 0.00032; gnomAD exomes 0.00042 and 0.00048; ExAC 0.00077.
gnomAD v4.1: 759 of 1,613,498 alleles (0.047%); highest among the groups gnomAD compares: Non-Finnish European, 0.057%; 2 homozygotes.

Submissions (3):

Labcorp Genetics (formerly Invitae), Labcorp
Classification: Likely benign for Thrombophilia due to protein C deficiency, autosomal dominant. Last evaluated: 2026-01-17. Review status: criteria provided, single submitter. Criteria: Invitae Variant Classification Sherloc (09022015). Collection method: clinical testing. Allele origin: germline.

Mayo Clinic Laboratories, Mayo Clinic
Classification: Likely benign. Last evaluated: 2024-12-26. Review status: criteria provided, single submitter. Criteria: ACMG Guidelines, 2015. Collection method: clinical testing. Allele origin: germline. Observed: 1 variant allele.
Comment: BP4, BP7

Illumina Laboratory Services, Illumina
Classification: Uncertain significance for Thrombophilia due to protein C deficiency, autosomal dominant. Last evaluated: 2018-01-13. Review status: criteria provided, single submitter. Criteria: ICSL Variant Classification Criteria 13 December 2019. Collection method: clinical testing. Allele origin: germline.